The following continues an entry in ClinVar:

NM_000091.5(COL4A3):c.4981C>T (p.Arg1661Cys)

ClinVar aggregate classification (germline): Conflicting classifications of pathogenicity. Pathogenic (17); Likely pathogenic (14); Uncertain significance (1).

Submissions 8 to 28 of 34:

Variantyx, Inc.
Classification: Likely pathogenic for Autosomal dominant Alport syndrome. Last evaluated: 2025-10-17. Review status: criteria provided, single submitter. Criteria: Variantyx Assertion Criteria 2022. Collection method: clinical testing. Allele origin: germline. Inheritance: Semidominant inheritance. Affected: no.
Comment: This is a nonsynonymous variant in the COL4A3 gene (OMIM: 120070). Pathogenic variants in this gene have been associated with autosomal ominant COL4A3-related Alport spectrum. This variant lies within a known hotspot for pathogenic variants or a well-established critical functional domain of the COL4A3 protein (PMID: 20847057) (PM1), and multiple computational algorithms predict a deleterious effect for this substitution (PP3). This alteration has been reported in the homozygous or compound heterozygous state in several unrelated, affected individuals (PMID: 24052634, 29946535, 28780565, 32939031, 26809805, 30586318) (PM3_Strong). Additionally, it has been reported in the heterozygous state in at least 3 mildly affected individuals (PMID: 30665703, 25229338, 33774617), as well as in healthy individuals from the general population. This variant has a 0.0685% maximum allele frequency in non-founder control populations. Based on the current evidence, this variant is classified as likely pathogenic for autosomal dominant COL4A3-related Alport spectrum.

First Genomix Gene Laboratory, Genetic Diagnostics Department
Classification: Pathogenic for Alport syndrome 3b, autosomal recessive. Last evaluated: 2025-06-20. Review status: criteria provided, single submitter. Criteria: ACMG Guidelines, 2015. Collection method: clinical testing. Allele origin: germline. Inheritance: Autosomal recessive inheritance. Affected: no. Observed: 1 variant allele.

Women's Health and Genetics/Laboratory Corporation of America, LabCorp
Classification: Pathogenic for Autosomal recessive Alport syndrome. Last evaluated: 2025-04-09. Review status: criteria provided, single submitter. Criteria: LabCorp Variant Classification Summary - May 2015. Collection method: clinical testing. Allele origin: germline.
Comment: Variant summary: COL4A3 c.4981C>T (p.Arg1661Cys) results in a non-conservative amino acid change located in the collagen IV carboxyl-terminal non-collagenous (NC1) domain (IPR001442) of the encoded protein sequence. Five of five in-silico tools predict a damaging effect of the variant on protein function. The variant allele was found at a frequency of 0.00036 in 249438 control chromosomes in the gnomAD database, including 1 homozygote. This frequency is not significantly higher than estimated for a pathogenic variant in COL4A3 causing Alport Syndrome, Autosomal Recessive (0.00036 vs 0.0014). c.4981C>T has been reported in the literature in multiple individuals affected with Alport Syndrome, Autosomal Recessive (e.g., Heidet_2001, Storey_2013, Weber_2016, Connaughton_2019, Savige_2016, Garca-Aznar_2022, Chen_2024, Internal data). These data indicate that the variant is very likely to be associated with disease. The following publications have been ascertained in the context of this evaluation (PMID: 11134255, 24052634, 26809805, 30773290, 27485810, 36013122, 39071776). ClinVar contains an entry for this variant (Variation ID: 287915). Based on the evidence outlined above, the variant was classified as pathogenic.

Laboratory of Genetics, Children's Clinical University Hospital Latvia
Classification: Pathogenic. Last evaluated: 2025-02-16. Review status: criteria provided, single submitter. Criteria: ACMG Guidelines, 2015. Collection method: clinical testing. Allele origin: germline. Affected: yes.

CeGaT Center for Human Genetics Tuebingen
Classification: Pathogenic. Last evaluated: 2024-10-01. Review status: criteria provided, single submitter. Criteria: CeGaT Center For Human Genetics Tuebingen Variant Classification Criteria Version 2. Collection method: clinical testing. Allele origin: germline. Affected: yes. Observed: 1 variant allele.
Comment: COL4A3: PM3:Very Strong, PM5, PM2:Supporting

Illumina Laboratory Services, Illumina
Classification: Pathogenic for Alport syndrome. Last evaluated: 2024-09-05. Review status: criteria provided, single submitter. Criteria: ICSLVariantClassificationCriteria RUGD 01 April 2020. Collection method: clinical testing. Allele origin: unknown.

Revvity Omics, Revvity
Classification: Pathogenic. Last evaluated: 2024-08-30. Review status: criteria provided, single submitter. Criteria: ACMG Guidelines, 2015. Collection method: clinical testing. Allele origin: germline.

Fulgent Genetics
Classification: Pathogenic for Autosomal dominant Alport syndrome; Hematuria, benign familial, 2; Alport syndrome 3b, autosomal recessive. Last evaluated: 2024-06-12. Review status: criteria provided, single submitter. Criteria: ACMG Guidelines, 2015. Collection method: clinical testing. Allele origin: germline.

Blueprint Genetics
Classification: Pathogenic for COL4A3-related disorders. Last evaluated: 2024-05-28. Review status: criteria provided, single submitter. Criteria: ACMG Guidelines, 2015. Collection method: clinical testing. Allele origin: germline. Affected: yes. Observed: 5 variant alleles.

SIB Swiss Institute of Bioinformatics
Classification: Likely pathogenic for Alport syndrome 3b, autosomal recessive. Last evaluated: 2024-05-13. Review status: criteria provided, single submitter. Criteria: ACMG Guidelines, 2015. Collection method: curation. Allele origin: unknown. Inheritance: Autosomal recessive inheritance.
Comment: This variant is interpreted as likely pathogenic for Alport syndrome spectrum, autosomal recessive. The following ACMG Tag(s) were applied: Multiple lines of computational evidence support a deleterious effect on the gene or gene product (PP3_moderate; REVEL score 0.918). For recessive disorders, detected in trans with a pathogenic variant (PM3_strong; PMID: 24052634, 37362409, 38214412).

Department of Pathology and Laboratory Medicine, Sinai Health System
Classification: Likely pathogenic for Autosomal dominant Alport syndrome; Alport syndrome 3b, autosomal recessive. Last evaluated: 2023-09-18. Review status: criteria provided, single submitter. Criteria: ACMG Guidelines, 2015. Collection method: research. Allele origin: germline.

Institute of Human Genetics Munich, TUM University Hospital
Classification: Likely pathogenic for Autosomal dominant Alport syndrome. Last evaluated: 2023-01-25. Review status: criteria provided, single submitter. Criteria: Classification criteria August 2017. Collection method: clinical testing. Allele origin: germline. Inheritance: Autosomal dominant inheritance. Affected: yes. Observed: 1 variant allele.

Mayo Clinic Laboratories, Mayo Clinic
Classification: Pathogenic. Last evaluated: 2022-12-07. Review status: criteria provided, single submitter. Criteria: ACMG Guidelines, 2015. Collection method: clinical testing. Allele origin: germline. Observed: 1 variant allele.
Comment: PP3, PM2_supporting, PM3_very_strong

Dasa
Classification: Pathogenic for Alport syndrome. Last evaluated: 2022-03-05. Review status: criteria provided, single submitter. Criteria: ACMG Guidelines, 2015. Collection method: clinical testing. Allele origin: germline. Affected: yes. Observed: 1 variant allele.
Comment: The c.4981C>T;p.(Arg1661Cys) missense variant has been observed in affected individual(s) and ClinVar contains an entry for this variant (ClinVar ID: 287915; PMID: 26809805; PMID: 25229338); PMID: 25229338; PMID: 24052634; PMID: 24052634 - PS4. The variant is located in a mutational hot spot and/or critical and well-established functional domain (C4) - PM1. The p.(Arg1661Cys) was detected in trans with a pathogenic variant (PMID: 26809805; PMID: 24052634; PMID: 24052634) - PM3. The variant co-segregated with disease in multiple affected family members (PMID: 26809805; 25229338) - PP1_strong. Multiple lines of computational evidence support a deleterious effect on the gene or gene product - PP3.and allele frequency is greater than expected for disorder - BS1. In summary, the currently available evidence indicates that the variant is pathogenic.

Genome-Nilou Lab
Classification: Likely pathogenic for Autosomal recessive Alport syndrome. Last evaluated: 2021-07-22. Review status: criteria provided, single submitter. Criteria: ACMG Guidelines, 2015. Collection method: clinical testing. Allele origin: germline. Affected: no.

Fulgent Genetics
Classification: Likely pathogenic for Autosomal dominant Alport syndrome; Hematuria, benign familial, 1; Autosomal recessive Alport syndrome. Last evaluated: 2021-06-30. Review status: criteria provided, single submitter. Criteria: ACMG Guidelines, 2015. Collection method: clinical testing. Allele origin: unknown.
Comment: This variant has been detected in individual(s) who were sent for testing of Renasight - kidney gene panel.

AiLife Diagnostics
Classification: Likely pathogenic. Last evaluated: 2021-03-26. Review status: criteria provided, single submitter. Criteria: ACMG Guidelines, 2015. Collection method: clinical testing. Allele origin: germline. Affected: yes. Observed: 1 variant allele.

New York Genome Center
Classification: Likely pathogenic for Autosomal recessive Alport syndrome. Last evaluated: 2020-06-26. Review status: criteria provided, single submitter. Criteria: NYGC Assertion Criteria 2020. Collection method: clinical testing. Allele origin: inherited. Observed: 1 heterozygote. Study: CSER-NYCKidSeq.

Molecular Biology Laboratory, Fundació Puigvert
Classification: Likely pathogenic for Autosomal recessive Alport syndrome. Last evaluated: 2020-02-01. Review status: criteria provided, single submitter. Criteria: ACMG Guidelines, 2015. Collection method: research. Allele origin: germline. Affected: yes. Study: KidneyPanel_2020.

Institute of Human Genetics Munich, TUM University Hospital
Classification: Likely pathogenic for Autosomal recessive Alport syndrome. Last evaluated: 2020-01-17. Review status: criteria provided, single submitter. Criteria: Classification criteria August 2017. Collection method: clinical testing. Allele origin: maternal. Inheritance: Autosomal recessive inheritance. Affected: yes. Observed: 1 compound heterozygote.

Cambridge Genomics Laboratory, East Genomic Laboratory Hub, NHS Genomic Medicine Service
Classification: Uncertain significance for Benign familial hematuria. Last evaluated: 2020-01-01. Review status: criteria provided, single submitter. Criteria: ACGS Best Practice Guidelines for Variant Classification in Rare Disease 2020. Collection method: clinical testing. Allele origin: germline. Affected: yes. Observed: 1 variant allele.